The following is an entry in ClinVar:

NM_001939.3(DRP2):c.982G>A (p.Val328Ile)

Gene: DRP2 (dystrophin related protein 2; plus strand). Cytogenetic location: Xq22.1.
Variant type: single nucleotide variant.
Coding change: c.982G>A on transcript NM_001939.3 (MANE Select); coding-DNA position 982, G replaced by A.
Protein change: p.Val328Ile; replaces valine 328 with isoleucine.
Molecular consequence: missense variant.
Genome position (GRCh38, 1-based): chrX:101,242,910, G>A. VCF-style: chrX-101242910-G-A. GRCh37 (hg19) VCF-style: chrX-100497899-G-A.
Other names: c.982G>A (NM_001939.2); c.748G>A, p.Val250Ile (NM_001171184.2); short protein forms V250I, V328I.
Identifiers: ClinVar variation 1937126 (VCV001937126.6), dbSNP rs199620912, ClinGen allele CA413919641.

ClinVar aggregate classification (germline): Uncertain significance. Review status: criteria provided, multiple submitters, no conflicts (2 of 4 stars). 2 submissions from 2 submitters: Uncertain significance (2). Last evaluated 2025-08-26.

gnomAD v4.1: 9 of 1,210,972 alleles (0.00074%); highest among the groups gnomAD compares: Non-Finnish European, 0.001%; no homozygotes.

Submissions (2):

Labcorp Genetics (formerly Invitae), Labcorp
Classification: Uncertain significance. Last evaluated: 2025-08-26. Review status: criteria provided, single submitter. Criteria: Invitae Variant Classification Sherloc (09022015). Collection method: clinical testing. Allele origin: germline.
Comment: This sequence change replaces valine, which is neutral and non-polar, with isoleucine, which is neutral and non-polar, at codon 328 of the DRP2 protein (p.Val328Ile). This variant is present in population databases (no rsID available, gnomAD 0.004%). This variant has not been reported in the literature in individuals affected with DRP2-related conditions. ClinVar contains an entry for this variant (Variation ID: 1937126). Invitae Evidence Modeling of protein sequence and biophysical properties (such as structural, functional, and spatial information, amino acid conservation, physicochemical variation, residue mobility, and thermodynamic stability) indicates that this missense variant is not expected to disrupt DRP2 protein function with a negative predictive value of 80%. In summary, the available evidence is currently insufficient to determine the role of this variant in disease. Therefore, it has been classified as a Variant of Uncertain Significance.

Ambry Genetics
Classification: Uncertain significance. Last evaluated: 2025-03-26. Review status: criteria provided, single submitter. Criteria: Ambry Variant Classification Scheme 2023. Collection method: clinical testing. Allele origin: germline.